The following is an entry in ClinVar:

ClinVar aggregate classification (germline): Likely benign. Review status: criteria provided, single submitter (1 of 4 stars). 2 submissions from 1 submitter: Likely benign (2). Last evaluated 2018-01-13.

Conditions:
Hypophosphatemic rickets, autosomal recessive, 2 (ARHR2). Identifiers: Orphanet 289176, MedGen C2750078, MONDO:0013219, OMIM 613312.
Arterial calcification, generalized, of infancy, 1 (GACI1). Also called: Idiopathic Infantile Arterial Calcification. Identifiers: Orphanet 51608, MedGen C4551985, MONDO:0008817, OMIM 208000.

Allele frequency attached by ClinVar (database versions not stated): 1000 Genomes Project 30x 0.00047; 1000 Genomes Project 0.00060; gnomAD 0.00092 and 0.00098; TOPMed 0.00092.
gnomAD v4.1: 137 of 149,818 alleles (0.091%); highest among the groups gnomAD compares: African/African-American, 0.29%; no homozygotes.

Submissions (2):

Illumina Laboratory Services, Illumina
Classification: Likely benign for Arterial calcification, generalized, of infancy, 1. Last evaluated: 2018-01-13. Review status: criteria provided, single submitter. Criteria: ICSL Variant Classification Criteria 13 December 2019. Collection method: clinical testing. Allele origin: germline.
Comment: This variant was observed in the ICSL laboratory as part of a predisposition screen in an ostensibly healthy population. It had not been previously curated by ICSL or reported in the Human Gene Mutation Database (HGMD: prior to June 1st, 2018), and was therefore a candidate for classification through an automated scoring system. Utilizing variant allele frequency, disease prevalence and penetrance estimates, and inheritance mode, an automated score was calculated to assess if this variant is too frequent to cause the disease. Based on the score and internal cut-off values, a variant classified as likely benign is not then subjected to further curation. The score for this variant resulted in a classification of likely benign for this disease.

Illumina Laboratory Services, Illumina
Classification: Likely benign for Hypophosphatemic rickets, autosomal recessive, 2. Last evaluated: 2018-01-13. Review status: criteria provided, single submitter. Criteria: ICSL Variant Classification Criteria 13 December 2019. Collection method: clinical testing. Allele origin: germline.
Comment: the same text as in the submission from Illumina Laboratory Services, Illumina above.

NM_006208.3(ENPP1):c.*804A>G

Gene: ENPP1 (ectonucleotide pyrophosphatase/phosphodiesterase 1; plus strand). Cytogenetic location: 6q23.2.
Variant type: single nucleotide variant.
Coding change: c.*804A>G on transcript NM_006208.3 (MANE Select); 804 bases downstream of the stop codon, A replaced by G.
Molecular consequence: 3 prime UTR variant.
Genome position (GRCh38, 1-based): chr6:131,891,315, A>G. VCF-style: chr6-131891315-A-G. GRCh37 (hg19) VCF-style: chr6-132212455-A-G.
Identifiers: ClinVar variation 904977 (VCV000904977.4), dbSNP rs114078048, ClinGen allele CA147909312.